The following is an entry in ClinVar:

ClinVar aggregate classification (germline): Uncertain significance (1 of 4 stars; one submission).

Conditions:
Familial melanoma. Also called: Hereditary melanoma; Hereditary cutaneous melanoma. Identifiers: Orphanet 618, MedGen C1512419, MONDO:0018961.

Submission:

Labcorp Genetics (formerly Invitae), Labcorp
Classification: Uncertain significance for Familial melanoma. Last evaluated: 2022-04-12. Review status: criteria provided, single submitter. Criteria: Invitae Variant Classification Sherloc (09022015). Collection method: clinical testing. Allele origin: germline.
Comment: This sequence change affects the initiator methionine of the CDKN2A (p16INK4a) mRNA. The next in-frame methionine is located at codon 9. This variant is not present in population databases (gnomAD no frequency). This variant has not been reported in the literature in individuals affected with CDKN2A (p16INK4a)-related conditions. ClinVar contains an entry for this variant (Variation ID: 656963). Experimental studies and prediction algorithms are not available or were not evaluated, and the functional significance of this variant is currently unknown. In summary, the available evidence is currently insufficient to determine the role of this variant in disease. Therefore, it has been classified as a Variant of Uncertain Significance.

NM_000077.5(CDKN2A):c.1_14del (p.Met1fs)

Genes: CDKN2A (cyclin dependent kinase inhibitor 2A; minus strand), LOC130001603 (ATAC-STARR-seq lymphoblastoid silent region 19811; plus strand). Cytogenetic location: 9p21.3.
Variant type: Deletion.
Coding change: c.1_14del on transcript NM_000077.5; coding-DNA positions 1 to 14, 14 bases deleted (ATGGAGCCGGCGGC).
Protein change: p.Met1fs; shifts the reading frame from methionine 1.
Molecular consequence: frameshift variant (on NM_000077.4). On other transcripts: initiator codon variant (2), intron variant (2).
Genome position (GRCh38, 1-based): chr9:21,974,814-21,974,827, GCCGCCGGCTCCAT deleted on the plus strand (ATGGAGCCGGCGGC on the coding strand, the reverse complement: CDKN2A is on the minus strand); deleting any 14 consecutive bases within chr9:21,974,814-21,974,829 gives the same sequence; the c. name uses the placement nearest the transcript's 3' end. VCF-style (leftmost placement, unchanged base first): chr9-21974813-CGCCGCCGGCTCCAT-C. GRCh37 (hg19) VCF-style: chr9-21974812-CGCCGCCGGCTCCAT-C.
Other names: c.-2_12delGCATGGAGCCGGCG, p.Met(?_1)_Ala4(?) (NM_000077.4, NM_000077.6); c.1_14del, p.Met1fs (NM_001195132.2, NM_058197.5); c.-3-3619_-3-3606del (NM_001363763.2); c.194-3619_194-3606del (NM_058195.4); short protein forms M1fs.
Identifiers: ClinVar variation 656963 (VCV000656963.9), dbSNP rs1587340512, ClinGen allele CA915947487.
Genomic context (GRCh38, chr9:21,974,813, plus strand): 5'-TACCCGACCCCGGGCCGCGGCCGTGGCCAGCCAGTCAGCCGAAGGCTCCATGCTGCTCCC[CGCCGCCGGCTCCAT>C]GCTGCTCCCCGCCGCCCGCTGCCTGCTCTCCCCCTCTCCGCAGCCGCCGAGCGCACGCGG-3'